The following is an entry in ClinVar:

NM_198578.4(LRRK2):c.7397T>A (p.Leu2466His)

Gene: LRRK2 (leucine rich repeat kinase 2; plus strand). Cytogenetic location: 12q12.
Variant type: single nucleotide variant.
Coding change: c.7397T>A on transcript NM_198578.4 (MANE Select); coding-DNA position 7397, T replaced by A.
Protein change: p.Leu2466His; replaces leucine 2466 with histidine.
Molecular consequence: missense variant.
Genome position (GRCh38, 1-based): chr12:40,367,012, T>A. VCF-style: chr12-40367012-T-A. GRCh37 (hg19) VCF-style: chr12-40760814-T-A.
Other names: short protein forms L2466H.
Identifiers: ClinVar variation 39240 (VCV000039240.9), dbSNP rs281865057, ClinGen allele CA343690.
Genomic context (GRCh38, chr12:40,367,012, plus strand): 5'-GCCAGTTTAATATATAGTTTTAACAGAAAACTTACATATTTTGTTTTTGTAAAGGAAGCC[T>A]TAAAAATGTCATGCTGGTATTGGGCTACAACCGGAAAAATACTGAAGGTACACAAAAGCA-3'
Protein context (NP_940980.4, residues 2456-2476): RVMMTAQLGS[Leu2466His]KNVMLVLGYN

ClinVar aggregate classification (germline): Uncertain significance. Review status: criteria provided, single submitter (1 of 4 stars). 2 submissions from 2 submitters: Uncertain significance (1). 1 of the submissions does not count toward it. Last evaluated 2024-12-03.

Conditions:
Autosomal dominant Parkinson disease 8. Also called: LRRK2-Related Parkinson Disease; Parkinson disease 8; Parkinson disease 8, susceptibility to. Identifiers: Orphanet 411602, MedGen C1846862, MONDO:0011764, OMIM 607060.

Allele frequency attached by ClinVar (database versions not stated): gnomAD exomes below 0.00001 and 0.00001; gnomAD 0.00001; TOPMed 0.00001.
gnomAD v4.1: 17 of 1,608,880 alleles (0.0011%); highest among the groups gnomAD compares: Non-Finnish European, 0.0014%; no homozygotes.

Submissions (2):

Labcorp Genetics (formerly Invitae), Labcorp
Classification: Uncertain significance for Autosomal dominant Parkinson disease 8. Last evaluated: 2024-12-03. Review status: criteria provided, single submitter. Criteria: Invitae Variant Classification Sherloc (09022015). Collection method: clinical testing. Allele origin: germline.
Comment: This sequence change replaces leucine, which is neutral and non-polar, with histidine, which is basic and polar, at codon 2466 of the LRRK2 protein (p.Leu2466His). The frequency data for this variant in the population databases is considered unreliable, as metrics indicate poor data quality at this position in the gnomAD database. This missense change has been observed in individual(s) with Parkinson disease (PMID: 18213618). ClinVar contains an entry for this variant (Variation ID: 39240). Invitae Evidence Modeling of protein sequence and biophysical properties (such as structural, functional, and spatial information, amino acid conservation, physicochemical variation, residue mobility, and thermodynamic stability) indicates that this missense variant is not expected to disrupt LRRK2 protein function with a negative predictive value of 80%. Experimental studies have shown that this missense change does not substantially affect LRRK2 function (PMID: 20642453). In summary, the available evidence is currently insufficient to determine the role of this variant in disease. Therefore, it has been classified as a Variant of Uncertain Significance.

GeneReviews
No classification provided. Condition: Autosomal dominant Parkinson disease 8. Review status: no classification provided. Collection method: literature only. Allele origin: unknown. Not counted in ClinVar's aggregate classification.

Literature cited by the submitters: PubMed 18213618 (cited by Labcorp Genetics (formerly Invitae), Labcorp); PubMed 20642453 (cited by Labcorp Genetics (formerly Invitae), Labcorp); PubMed 20301387 (cited by GeneReviews); NCBI Bookshelf NBK1208 (cited by GeneReviews).